The following is an entry in ClinVar:

ClinVar aggregate classification (germline): Uncertain significance. Review status: criteria provided, multiple submitters, no conflicts (2 of 4 stars). 2 submissions from 2 submitters: Uncertain significance (2). Last evaluated 2025-10-07.

Conditions:
Hereditary cancer-predisposing syndrome. Also called: Neoplastic Syndromes, Hereditary; Hereditary neoplastic syndrome; Tumor predisposition; Hereditary Cancer Syndrome. Identifiers: Orphanet 140162, MedGen C0027672, MeSH D009386, MONDO:0015356.
Renal cell carcinoma. Identifiers: Orphanet 217071, MedGen C0007134, MeSH D002292, MONDO:0005086, HP:0005584.

Submissions (2):

Ambry Genetics
Classification: Uncertain significance for Hereditary cancer-predisposing syndrome. Last evaluated: 2025-10-07. Review status: criteria provided, single submitter. Criteria: Ambry Variant Classification Scheme 2023. Collection method: clinical testing. Allele origin: germline.
Comment: The p.P44H variant (also known as c.131C>A), located in coding exon 1 of the MET gene, results from a C to A substitution at nucleotide position 131. The proline at codon 44 is replaced by histidine, an amino acid with similar properties. This amino acid position is highly conserved in available vertebrate species. In addition, the in silico prediction for this alteration is inconclusive. Based on the available evidence, the clinical significance of this variant remains unclear.

Labcorp Genetics (formerly Invitae), Labcorp
Classification: Uncertain significance for Renal cell carcinoma. Last evaluated: 2025-06-11. Review status: criteria provided, single submitter. Criteria: Invitae Variant Classification Sherloc (09022015). Collection method: clinical testing. Allele origin: germline.
Comment: This sequence change replaces proline, which is neutral and non-polar, with histidine, which is basic and polar, at codon 44 of the MET protein (p.Pro44His). This variant is not present in population databases (gnomAD no frequency). This variant has not been reported in the literature in individuals affected with MET-related conditions. ClinVar contains an entry for this variant (Variation ID: 524896). Invitae Evidence Modeling of protein sequence and biophysical properties (such as structural, functional, and spatial information, amino acid conservation, physicochemical variation, residue mobility, and thermodynamic stability) indicates that this missense variant is not expected to disrupt MET protein function with a negative predictive value of 80%. In summary, the available evidence is currently insufficient to determine the role of this variant in disease. Therefore, it has been classified as a Variant of Uncertain Significance.

NM_000245.4(MET):c.131C>A (p.Pro44His)

Gene: MET (MET proto-oncogene, receptor tyrosine kinase; plus strand). Cytogenetic location: 7q31.2.
Variant type: single nucleotide variant.
Coding change: c.131C>A on transcript NM_000245.4 (MANE Select); coding-DNA position 131, C replaced by A.
Protein change: p.Pro44His; replaces proline 44 with histidine.
Molecular consequence: missense variant. On other transcripts: intron variant (1).
Genome position (GRCh38, 1-based): chr7:116,699,215, C>A. VCF-style: chr7-116699215-C-A. GRCh37 (hg19) VCF-style: chr7-116339269-C-A.
Other names: c.131C>A, p.Pro44His (NM_001127500.3, NM_001324401.3); c.-91+26638C>A (NM_001324402.2); short protein forms P44H.
Identifiers: ClinVar variation 524896 (VCV000524896.14), dbSNP rs1554378225, ClinGen allele CA368968413.
Genomic context (GRCh38, chr7:116,699,215, plus strand): 5'-GGGAGTGTAAAGAGGCACTAGCAAAGTCCGAGATGAATGTGAATATGAAGTATCAGCTTC[C>A]CAACTTCACCGCGGAAACACCCATCCAGAATGTCATTCTACATGAGCATCACATTTTCCT-3'
Protein context (NP_000236.2, residues 34-54): EMNVNMKYQL[Pro44His]NFTAETPIQN